The following is an entry in ClinVar:

NM_001375524.1(TRRAP):c.7219A>G (p.Met2407Val)

Gene: TRRAP (transformation/transcription domain associated protein; plus strand). Cytogenetic location: 7q22.1.
Variant type: single nucleotide variant.
Coding change: c.7219A>G on transcript NM_001375524.1 (MANE Select); coding-DNA position 7219, A replaced by G.
Protein change: p.Met2407Val; replaces methionine 2407 with valine.
Molecular consequence: missense variant.
Genome position (GRCh38, 1-based): chr7:98,967,083, A>G. VCF-style: chr7-98967083-A-G. GRCh37 (hg19) VCF-style: chr7-98564706-A-G.
Other names: c.7198A>G, p.Met2400Val (NM_001244580.2); c.7144A>G, p.Met2382Val (NM_003496.4); short protein forms M2382V, M2400V, M2407V.
Identifiers: ClinVar variation 3369800 (VCV003369800.2).

ClinVar aggregate classification (germline): Likely pathogenic (1 of 4 stars; one submission).

Submission:

GeneDx
Classification: Likely pathogenic. Last evaluated: 2026-06-12. Review status: criteria provided, single submitter. Criteria: GeneDx Variant Classification Process June 2021. Collection method: clinical testing. Allele origin: germline.
Comment: Not observed at significant frequency in large population cohorts (gnomAD); In silico analysis supports that this missense variant has a deleterious effect on protein structure/function; Has not been previously published as pathogenic or benign to our knowledge